The following is an entry in ClinVar:

ClinVar aggregate classification (germline): Uncertain significance (1 of 4 stars; one submission).

Conditions:
Inborn genetic diseases. Identifiers: MedGen C0950123, MeSH D030342.

Submission:

Ambry Genetics
Classification: Uncertain significance for Inborn genetic diseases. Last evaluated: 2023-03-02. Review status: criteria provided, single submitter. Criteria: Ambry Variant Classification Scheme 2023. Collection method: clinical testing. Allele origin: germline.
Comment: The p.R369G variant (also known as c.1105A>G), located in coding exon 9 of the BUB1B gene, results from an A to G substitution at nucleotide position 1105. The arginine at codon 369 is replaced by glycine, an amino acid with dissimilar properties. This amino acid position is conserved. In addition, this alteration is predicted to be tolerated by in silico analysis. Since supporting evidence is limited at this time, the clinical significance of this alteration remains unclear.

NM_001211.6(BUB1B):c.1105A>G (p.Arg369Gly)

Gene: BUB1B (BUB1 mitotic checkpoint serine/threonine kinase B; plus strand). Cytogenetic location: 15q15.1.
Variant type: single nucleotide variant.
Coding change: c.1105A>G on transcript NM_001211.6 (MANE Select); coding-DNA position 1105, A replaced by G.
Protein change: p.Arg369Gly; replaces arginine 369 with glycine.
Molecular consequence: missense variant.
Genome position (GRCh38, 1-based): chr15:40,196,591, A>G. VCF-style: chr15-40196591-A-G. GRCh37 (hg19) VCF-style: chr15-40488792-A-G.
Other names: short protein forms R369G.
Identifiers: ClinVar variation 2450843 (VCV002450843.2), dbSNP rs2542550335, ClinGen allele CA391687029.